The following is an entry in ClinVar:

NM_001098511.3(KIF2A):c.1678A>G (p.Ile560Val)

Gene: KIF2A (kinesin family member 2A; plus strand). Cytogenetic location: 5q12.1.
Variant type: single nucleotide variant.
Coding change: c.1678A>G on transcript NM_001098511.3 (MANE Select); coding-DNA position 1678, A replaced by G.
Protein change: p.Ile560Val; replaces isoleucine 560 with valine.
Molecular consequence: missense variant. On other transcripts: intron variant (3).
Genome position (GRCh38, 1-based): chr5:62,372,469, A>G. VCF-style: chr5-62372469-A-G. GRCh37 (hg19) VCF-style: chr5-61668296-A-G.
Other names: c.1566-1218A>G (NM_001243952.2); c.1647-1218A>G (NM_004520.5); c.1590-1218A>G (NM_001243953.2); short protein forms I560V.
Identifiers: ClinVar variation 2697261 (VCV002697261.3), dbSNP rs2531378152, ClinGen allele CA359952185.

ClinVar aggregate classification (germline): Uncertain significance (1 of 4 stars; one submission).

Submission:

Labcorp Genetics (formerly Invitae), Labcorp
Classification: Uncertain significance. Last evaluated: 2023-11-27. Review status: criteria provided, single submitter. Criteria: Invitae Variant Classification Sherloc (09022015). Collection method: clinical testing. Allele origin: germline.
Comment: This sequence change replaces isoleucine, which is neutral and non-polar, with valine, which is neutral and non-polar, at codon 560 of the KIF2A protein (p.Ile560Val). This variant is not present in population databases (gnomAD no frequency). This variant has not been reported in the literature in individuals affected with KIF2A-related conditions. An algorithm developed to predict the effect of missense changes on protein structure and function (PolyPhen-2) suggests that this variant is likely to be tolerated. In summary, the available evidence is currently insufficient to determine the role of this variant in disease. Therefore, it has been classified as a Variant of Uncertain Significance.